The following is an entry in ClinVar:

NM_000059.4(BRCA2):c.5969A>C (p.Asp1990Ala)

Gene: BRCA2 (BRCA2 DNA repair associated; plus strand). Cytogenetic location: 13q13.1.
Variant type: single nucleotide variant.
Coding change: c.5969A>C on transcript NM_000059.4 (MANE Select); coding-DNA position 5969, A replaced by C.
Protein change: p.Asp1990Ala; replaces aspartic acid 1990 with alanine.
Molecular consequence: missense variant.
Genome position (GRCh38, 1-based): chr13:32,340,324, A>C. VCF-style: chr13-32340324-A-C. GRCh37 (hg19) VCF-style: chr13-32914461-A-C.
Other names: p.D1990A:GAT>GCT; 6197A>C; short protein forms D1990A.
Identifiers: ClinVar variation 91431 (VCV000091431.30), dbSNP rs148618542, ClinGen allele CA023434.

ClinVar aggregate classification (germline): Conflicting classifications of pathogenicity. Review status: criteria provided, conflicting classifications (1 of 4 stars). 8 submissions from 8 submitters: Uncertain significance (2); Likely benign (5). 1 of the submissions does not count toward it. Last evaluated 2026-01-13.

Conditions:
Hereditary breast ovarian cancer syndrome. Also called: Breast and ovarian cancer; Hereditary breast and ovarian cancer; Hereditary breast and ovarian cancer syndrome; BRCA1- and BRCA2-Associated Hereditary Breast and Ovarian Cancer; Hereditary breast and ovarian cancer syndrome (HBOC); Hereditary breast and/or ovarian cancer syndrome. Identifiers: Orphanet 145, MedGen C0677776, MeSH D061325, MONDO:0003582. Disease mechanism: loss of function.
Hereditary cancer-predisposing syndrome. Also called: Tumor predisposition; Hereditary Cancer Syndrome; Neoplastic Syndromes, Hereditary; Hereditary neoplastic syndrome. Identifiers: Orphanet 140162, MedGen C0027672, MeSH D009386, MONDO:0015356.
Breast-ovarian cancer, familial, susceptibility to, 2 (BROVCA2). Also called: BRCA2 Hereditary Breast and Ovarian Cancer. Identifiers: Orphanet 145, MedGen C2675520, MONDO:0012933, OMIM 612555. Disease mechanism: loss of function.

Allele frequency attached by ClinVar (database versions not stated): gnomAD 0.00001; gnomAD exomes 0.00003 and 0.00004; ExAC 0.00004; 1000 Genomes Project 30x 0.00016; 1000 Genomes Project 0.00020.
gnomAD v4.1: 41 of 1,614,068 alleles (0.0025%); highest among the groups gnomAD compares: East Asian, 0.091%; no homozygotes.

Submissions (8):

Labcorp Genetics (formerly Invitae), Labcorp
Classification: Likely benign for Hereditary breast ovarian cancer syndrome. Last evaluated: 2026-01-13. Review status: criteria provided, single submitter. Criteria: Invitae Variant Classification Sherloc (09022015). Collection method: clinical testing. Allele origin: germline.

Women's Health and Genetics/Laboratory Corporation of America, LabCorp
Classification: Likely benign. Last evaluated: 2025-06-09. Review status: criteria provided, single submitter. Criteria: LabCorp Variant Classification Summary - May 2015. Collection method: clinical testing. Allele origin: germline.
Comment: Variant summary: BRCA2 c.5969A>C (p.Asp1990Ala) results in a non-conservative amino acid change located in the seventh BRCA2 repeat domain (IPR002093) of the encoded protein sequence. Algorithms developed to predict the effect of missense changes on protein structure and function are either unavailable or do not agree on the potential impact of this missense change. The variant allele was found at a frequency of 6.3e-05 in 1662398 control chromosomes, predominantly at a frequency of 0.00091 within the East Asian subpopulation in the gnomAD database. The observed variant frequency within East Asian control individuals in the gnomAD database (v4.0.0) is higher than the estimated maximal expected allele frequency for a pathogenic variant in BRCA2 causing Hereditary Breast And Ovarian Cancer Syndrome phenotype (0.00075).c.5969A>C, has been reported in individuals affected with breast and/or ovarian cancer (e.g. Han_2006, Seong_2009, Jang_2012, Hirotsu_2015, Nakamura_2013, Choi_2016, Kim_2017). However, these reports do not provide unequivocal conclusions about association of the variant with Hereditary Breast and Ovarian Cancer. Co-occurrence with another BRCA pathogenic variant (variant not specified, Nakamura_2013) has also been reported for this variant, which further supports its benign role. To our knowledge, no experimental evidence demonstrating an impact on protein function has been reported. The following publications have been ascertained in the context of this evaluation (PMID: 19656164, 16949048, 17100994, 22217648, 24249303, 25802882, 26269718, 27124784, 26402875, 28351343, 28111427, 29215753, 29176636, 29240602, 30287823, 30415210). ClinVar contains an entry for this variant (Variation ID: 91431). Based on the evidence outlined above, the variant was classified as likely benign.

University of Washington Department of Laboratory Medicine, University of Washington
Classification: Likely benign for Hereditary cancer-predisposing syndrome. Last evaluated: 2023-03-23. Review status: criteria provided, single submitter. Criteria: Dines et al. (Genet Med. 2020). Collection method: curation. Allele origin: germline.
Comment: Missense variant in a coldspot region where missense variants are very unlikely to be pathogenic (PMID:31911673).

BRCA2 exon 11 coldspot. Reclassification based on statistical prior probability.

Ambry Genetics
Classification: Likely benign for Hereditary cancer-predisposing syndrome. Last evaluated: 2021-09-16. Review status: criteria provided, single submitter. Criteria: Ambry Variant Classification Scheme 2023. Collection method: clinical testing. Allele origin: germline.

Color Diagnostics, LLC DBA Color Health
Classification: Likely benign for Hereditary cancer-predisposing syndrome. Last evaluated: 2020-11-16. Review status: criteria provided, single submitter. Criteria: ACMG Guidelines, 2015. Collection method: clinical testing. Allele origin: germline.

Quest Diagnostics Nichols Institute San Juan Capistrano
Classification: Uncertain significance. Last evaluated: 2019-06-06. Review status: criteria provided, single submitter. Criteria: Quest Diagnostics criteria. Collection method: clinical testing. Allele origin: germline.

GeneDx
Classification: Uncertain significance. Last evaluated: 2018-11-12. Review status: criteria provided, single submitter. Criteria: GeneDx Variant Classification (06012015). Collection method: clinical testing. Allele origin: germline. Affected: yes.
Comment: This variant is denoted BRCA2 c.5969A>C at the cDNA level, p.Asp1990Ala (D1990A) at the protein level, and results in the change of an Aspartic Acid to an Alanine (GAT>GCT). This variant, also published as BRCA2 6197A>C, has been reported in several individuals of Asian decent with a history of breast and/or ovarian cancer (Han 2006, Kim 2006, Seong 2009, Jang 2012, Hirotsu 2015, Nakamura 2015, Park 2016, Arai 2017, Hwang 2017, Park 2017). BRCA2 Asp1990Ala was not observed at a significant allele frequency in large population cohorts (Lek 2016). This variant is located within the BRC7 domain and the region known to interact with RAD51 (Cole 2011, Roy 2012). In-silico analysis, which includes protein predictors and evolutionary conservation, supports a deleterious effect. Based on currently available evidence, it is unclear whether BRCA2 Asp1990Ala is a pathogenic or benign variant. We consider it to be a variant of uncertain significance.

Sharing Clinical Reports Project (SCRP)
Classification: Uncertain significance for Breast-ovarian cancer, familial 2. Last evaluated: 2011-12-16. Review status: no assertion criteria provided. Collection method: clinical testing. Allele origin: germline. Not counted in ClinVar's aggregate classification.

Literature cited by the submitters: PubMed 19656164 (cited by 3 submitters); PubMed 16949048 (cited by 3 submitters); PubMed 17100994 (cited by Women's Health and Genetics/Laboratory Corporation of America, LabCorp and Quest Diagnostics Nichols Institute San Juan Capistrano); PubMed 22217648 (cited by Women's Health and Genetics/Laboratory Corporation of America, LabCorp and Quest Diagnostics Nichols Institute San Juan Capistrano); PubMed 24249303 (cited by Women's Health and Genetics/Laboratory Corporation of America, LabCorp and Quest Diagnostics Nichols Institute San Juan Capistrano); PubMed 25802882 (cited by Women's Health and Genetics/Laboratory Corporation of America, LabCorp and Quest Diagnostics Nichols Institute San Juan Capistrano); PubMed 26269718 (cited by Women's Health and Genetics/Laboratory Corporation of America, LabCorp); PubMed 27124784 (cited by Women's Health and Genetics/Laboratory Corporation of America, LabCorp); PubMed 26402875 (cited by Women's Health and Genetics/Laboratory Corporation of America, LabCorp); PubMed 28351343 (cited by Women's Health and Genetics/Laboratory Corporation of America, LabCorp); PubMed 28111427 (cited by Women's Health and Genetics/Laboratory Corporation of America, LabCorp and Ambry Genetics); PubMed 29215753 (cited by Women's Health and Genetics/Laboratory Corporation of America, LabCorp and Quest Diagnostics Nichols Institute San Juan Capistrano); PubMed 29176636 (cited by Women's Health and Genetics/Laboratory Corporation of America, LabCorp); PubMed 29240602 (cited by Women's Health and Genetics/Laboratory Corporation of America, LabCorp); PubMed 30287823 (cited by Women's Health and Genetics/Laboratory Corporation of America, LabCorp); PubMed 30415210 (cited by Women's Health and Genetics/Laboratory Corporation of America, LabCorp and Ambry Genetics); PubMed 28392550 (cited by Ambry Genetics); PubMed 30725392 (cited by Quest Diagnostics Nichols Institute San Juan Capistrano).